The following is an entry in ClinVar:

NM_000051.4(ATM):c.4767A>G (p.Ser1589=)

Gene: ATM (ATM serine/threonine kinase; plus strand). Cytogenetic location: 11q22.3.
Variant type: single nucleotide variant.
Coding change: c.4767A>G on transcript NM_000051.4 (MANE Select); coding-DNA position 4767, A replaced by G.
Protein change: p.Ser1589=; no amino-acid change (serine 1589 retained).
Molecular consequence: synonymous variant.
Genome position (GRCh38, 1-based): chr11:108,293,468, A>G. VCF-style: chr11-108293468-A-G. GRCh37 (hg19) VCF-style: chr11-108164195-A-G.
Other names: c.4767A>G, p.Ser1589= (NM_001351834.2).
Identifiers: ClinVar variation 760193 (VCV000760193.11), dbSNP rs1591677805, ClinGen allele CA476674478.

ClinVar aggregate classification (germline): Conflicting classifications of pathogenicity. Review status: criteria provided, conflicting classifications (1 of 4 stars). 3 submissions from 3 submitters: Uncertain significance (1); Likely benign (2). Last evaluated 2023-07-17.

Conditions:
Familial colorectal cancer type X. Identifiers: Orphanet 440437, MedGen C3896578, MONDO:0018604.
Hereditary cancer-predisposing syndrome. Also called: Tumor predisposition; Hereditary Cancer Syndrome; Neoplastic Syndromes, Hereditary; Hereditary neoplastic syndrome. Identifiers: Orphanet 140162, MedGen C0027672, MeSH D009386, MONDO:0015356.
Ataxia-telangiectasia syndrome (AT). Also called: Ataxia telangiectasia (A-T); Cerebello-oculocutaneous telangiectasia; Immunodeficiency with ataxia telangiectasia; LOUIS-BAR SYNDROME; ATAXIA-TELANGIECTASIA, FRESNO VARIANT; Ataxia-telangiectasia, complementation group D. Identifiers: Orphanet 100, MedGen C0004135, MONDO:0008840, OMIM 208900.

Allele frequency attached by ClinVar (database versions not stated): gnomAD exomes below 0.00001.
gnomAD v4.1: 1 of 1,611,004 alleles (0.000062%); highest among the groups gnomAD compares: South Asian, 0.0011%; no homozygotes.

Submissions (3):

Color Diagnostics, LLC DBA Color Health
Classification: Uncertain significance for Hereditary cancer-predisposing syndrome. Last evaluated: 2023-07-17. Review status: criteria provided, single submitter. Criteria: ACMG Guidelines, 2015. Collection method: clinical testing. Allele origin: germline.
Comment: This variant is located in the ATM protein. To our knowledge, functional studies have not been reported for this variant. This variant has not been reported in individuals affected with ATM-related disorders in the literature. This variant has not been identified in the general population by the Genome Aggregation Database (gnomAD). The available evidence is insufficient to determine the role of this variant in disease conclusively. Therefore, this variant is classified as a Variant of Uncertain Significance.

Department of Pathology and Laboratory Medicine, Sinai Health System
Classification: Likely benign for Familial colorectal cancer type X. Last evaluated: 2022-03-07. Review status: criteria provided, single submitter. Criteria: ACMG Guidelines, 2015. Collection method: clinical testing. Allele origin: germline. Affected: yes.

Labcorp Genetics (formerly Invitae), Labcorp
Classification: Likely benign for Ataxia-telangiectasia syndrome. Last evaluated: 2018-05-17. Review status: criteria provided, single submitter. Criteria: Invitae Variant Classification Sherloc (09022015). Collection method: clinical testing. Allele origin: germline.